The following is an entry in ClinVar:

NM_052872.4(IL17F):c.130C>T (p.Pro44Ser)

Gene: IL17F (interleukin 17F; minus strand). Cytogenetic location: 6p12.2.
Variant type: single nucleotide variant.
Coding change: c.130C>T on transcript NM_052872.4 (MANE Select); coding-DNA position 130, C replaced by T.
Protein change: p.Pro44Ser; replaces proline 44 with serine.
Molecular consequence: missense variant.
Genome position (GRCh38, 1-based): chr6:52,238,854, G>A on the plus strand (C>T on the coding strand, the complement: IL17F is on the minus strand). VCF-style: chr6-52238854-G-A. GRCh37 (hg19) VCF-style: chr6-52103652-G-A.
Other names: short protein forms P44S.
Identifiers: ClinVar variation 2082611 (VCV002082611.4), dbSNP rs1331321771, ClinGen allele CA364445125.

ClinVar aggregate classification (germline): Uncertain significance (1 of 4 stars; one submission).

Conditions:
Candidiasis, familial, 6 (CANDF6). Also called: Candidiasis, familial, 6, autosomal dominant. Identifiers: Orphanet 1334, MedGen C3151405, MONDO:0013503, OMIM 613956.

gnomAD v4.1: 2 of 1,614,004 alleles (0.00012%); highest among the groups gnomAD compares: Non-Finnish European, 0.000085%; no homozygotes.

Submission:

Labcorp Genetics (formerly Invitae), Labcorp
Classification: Uncertain significance for Candidiasis, familial, 6. Last evaluated: 2022-09-15. Review status: criteria provided, single submitter. Criteria: Invitae Variant Classification Sherloc (09022015). Collection method: clinical testing. Allele origin: germline.
Comment: This sequence change replaces proline, which is neutral and non-polar, with serine, which is neutral and polar, at codon 44 of the IL17F protein (p.Pro44Ser). This variant is present in population databases (no rsID available, gnomAD 0.01%). This variant has not been reported in the literature in individuals affected with IL17F-related conditions. Algorithms developed to predict the effect of missense changes on protein structure and function (SIFT, PolyPhen-2, Align-GVGD) all suggest that this variant is likely to be tolerated. In summary, the available evidence is currently insufficient to determine the role of this variant in disease. Therefore, it has been classified as a Variant of Uncertain Significance.